The following is an entry in ClinVar:

NM_001378454.1(ALMS1):c.1658_1659del (p.Lys553fs)

Gene: ALMS1 (ALMS1 centrosome and basal body associated protein; plus strand). Cytogenetic location: 2p13.1.
Variant type: Deletion.
Coding change: c.1658_1659del on transcript NM_001378454.1 (MANE Select); coding-DNA positions 1658 to 1659, 2 bases deleted (AA; older notation c.1658_1659delAA).
Protein change: p.Lys553fs; shifts the reading frame from lysine 553.
Molecular consequence: frameshift variant.
Genome position (GRCh38, 1-based): chr2:73,448,185-73,448,186, AA deleted; deleting any 2 consecutive bases within chr2:73,448,184-73,448,186 gives the same sequence; the c. name uses the placement nearest the transcript's 3' end. VCF-style (leftmost placement, unchanged base first): chr2-73448183-GAA-G. GRCh37 (hg19) VCF-style: chr2-73675310-GAA-G.
Other names: c.1661_1662del, p.Lys554fs (NM_015120.4); short protein forms K553fs, K554fs.
Identifiers: ClinVar variation 1120084 (VCV001120084.4), dbSNP rs2103771766, ClinGen allele CA2499216236.

ClinVar aggregate classification (germline): Likely pathogenic (1 of 4 stars; one submission).

Conditions:
Alstrom syndrome (ALMS). Identifiers: Orphanet 64, MedGen C0268425, MONDO:0008763, OMIM 203800.

Submission:

Laboratory for Molecular Medicine, Mass General Brigham Personalized Medicine
Classification: Likely pathogenic for Alstrom syndrome. Last evaluated: 2020-06-09. Review status: criteria provided, single submitter. Criteria: LMM Criteria. Collection method: clinical testing. Allele origin: germline. Inheritance: Autosomal recessive inheritance. Observed: 1 variant allele.
Comment: The c.1661_1662delAA, p.Lys554SerfsX6 variant in ALMS1 has not been previously reported in individuals with Alstrom syndrome and was absent from large population studies. Please note that due to a discrepancy between the NM_015120.4 transcript and the GRCh37/hg19 genomic sequence in which NM_015120.4 transcript has 2 extra codons and 6 extra nucleotides. Therefore, this variant may also be referred to as c.1655_1656delAA, p.Lys552SerfsX6. This variant is predicted to cause a frameshift, which alters the proteinâ€™s amino acid sequence beginning at position 554 and leads to a premature termination codon 6 amino acids downstream. This alteration is then predicted to lead to a truncated or absent protein. Loss of function of the ALMS1 gene is an established disease mechanism in autosomal recessive Alstrom syndrome. In summary, although additional studies are required to fully establish its clinical significance, this variant meets criteria to be classified as likely pathogenic for autosomal recessive Alstrom syndrome. ACMG/AMP Criteria applied: PVS1, PM2.